The following is an entry in ClinVar:

ClinVar aggregate classification (germline): Likely benign. Review status: criteria provided, multiple submitters, no conflicts (2 of 4 stars). 3 submissions from 3 submitters: Likely benign (3). Last evaluated 2024-07-01.

Allele frequency attached by ClinVar (database versions not stated): 1000 Genomes Project 30x 0.00109; 1000 Genomes Project 0.00140; ExAC 0.00422; ESP Exome Variant Server 0.00423; gnomAD exomes 0.00429 and 0.00584; gnomAD 0.00431 and 0.00451; TOPMed 0.00467.
gnomAD v4.1: 9,264 of 1,614,108 alleles (0.57%); highest among the groups gnomAD compares: Middle Eastern, 2.1%; 35 homozygotes.

Submissions (3):

CeGaT Center for Human Genetics Tuebingen
Classification: Likely benign. Last evaluated: 2024-07-01. Review status: criteria provided, single submitter. Criteria: CeGaT Center For Human Genetics Tuebingen Variant Classification Criteria Version 2. Collection method: clinical testing. Allele origin: germline. Affected: yes. Observed: 2 variant alleles.
Comment: EPB41L3: BS2

Labcorp Genetics (formerly Invitae), Labcorp
Classification: Likely benign. Last evaluated: 2018-03-01. Review status: criteria provided, single submitter. Criteria: Invitae Variant Classification Sherloc (09022015). Collection method: clinical testing. Allele origin: germline.

Breakthrough Genomics
Classification: Likely benign. Review status: criteria provided, single submitter. Criteria: ACMG Guidelines, 2015. Collection method: not provided. Allele origin: germline. Inheritance: Unknown mechanism. Affected: yes.

NM_012307.5(EPB41L3):c.1493G>A (p.Arg498Gln)

Gene: EPB41L3 (erythrocyte membrane protein band 4.1 like 3; minus strand). Cytogenetic location: 18p11.31.
Variant type: single nucleotide variant.
Coding change: c.1493G>A on transcript NM_012307.5 (MANE Select); coding-DNA position 1493, G replaced by A.
Protein change: p.Arg498Gln; replaces arginine 498 with glutamine.
Molecular consequence: missense variant.
Genome position (GRCh38, 1-based): chr18:5,419,724, C>T on the plus strand (G>A on the coding strand, the complement: EPB41L3 is on the minus strand). VCF-style: chr18-5419724-C-T. GRCh37 (hg19) VCF-style: chr18-5419723-C-T.
Other names: c.1547G>A, p.Arg516Gln (NM_001281533.2, NM_001281534.3, NM_001330557.2 and 10 more transcripts); c.1220G>A, p.Arg407Gln (NM_001281535.2, NM_001384683.1, NM_001384698.1 and 4 more transcripts); c.1493G>A, p.Arg498Gln (NM_001384687.1, NM_001384688.1, NM_001384692.1 and 2 more transcripts); c.1166G>A, p.Arg389Gln (NM_001384700.1, NM_001384702.1, NM_001384705.1 and 1 more transcripts); short protein forms R407Q, R516Q, R498Q, R389Q.
Identifiers: ClinVar variation 782552 (VCV000782552.28), dbSNP rs117538203, ClinGen allele CA8877822.
Genomic context (GRCh38, chr18:5,419,724, plus strand): 5'-TTCTTAAAAGCTGGAGCAAGCTCTTGCAGGCAGTCTGGGAGCTATACCTTTCCCTCGTGC[C>T]GGATGGCCGAGATGGGCGTGACTTCTTCCCCCTTCCTCCGTTTGTCCTCTTCCTCGTCCC-3'
Protein context (NP_036439.2, residues 488-508): GEEVTPISAI[Arg498Gln]HEGKSPGLGT